The following is an entry in ClinVar:

NM_001267550.2(TTN):c.177C>T (p.Ser59=)

Gene: TTN (titin; minus strand). Cytogenetic location: 2q31.2.
Variant type: single nucleotide variant.
Coding change: c.177C>T on transcript NM_001267550.2 (MANE Select); coding-DNA position 177, C replaced by T.
Protein change: p.Ser59=; no amino-acid change (serine 59 retained).
Molecular consequence: synonymous variant.
Genome position (GRCh38, 1-based): chr2:178,802,256, G>A on the plus strand (C>T on the coding strand, the complement: TTN is on the minus strand). VCF-style: chr2-178802256-G-A. GRCh37 (hg19) VCF-style: chr2-179666983-G-A.
Other names: c.177C>T, p.Ser59= (NM_003319.4, NM_133378.4, NM_133379.5 and 3 more transcripts).
Identifiers: ClinVar variation 413083 (VCV000413083.25), dbSNP rs191057824, ClinGen allele CA2006402.

ClinVar aggregate classification (germline): Benign/Likely benign. Review status: criteria provided, multiple submitters, no conflicts (2 of 4 stars). 12 submissions from 9 submitters: Benign (8); Likely benign (4). Last evaluated 2026-05-07.

Conditions:
Cardiovascular phenotype. Identifiers: MedGen CN230736.
Dilated cardiomyopathy 1G (CMD1G). Identifiers: Orphanet 154, MedGen C1858763, MONDO:0011400, OMIM 604145.
Autosomal recessive limb-girdle muscular dystrophy type 2J (LGMDR10). Also called: Limb-girdle muscular dystrophy, type 2J; MUSCULAR DYSTROPHY, LIMB-GIRDLE, AUTOSOMAL RECESSIVE 10. Identifiers: Orphanet 140922, MedGen C1837342, MONDO:0012127, OMIM 608807.
Early-onset myopathy with fatal cardiomyopathy (CMYO5). Also called: Salih Myopathy; CONGENITAL MYOPATHY 5 WITH CARDIOMYOPATHY. Identifiers: Orphanet 289377, MedGen C2673677, MONDO:0012714, OMIM 611705. Disease mechanism: loss of function.
Tibial muscular dystrophy (TMD). Also called: Tibial muscular dystrophy, tardive; UDD MYOPATHY; Udd Distal Myopathy – Tibial Muscular Dystrophy. Identifiers: Orphanet 609, MedGen C1838244, MONDO:0010870, OMIM 600334.
Hypertrophic cardiomyopathy 9. Also called: Familial hypertrophic cardiomyopathy 9. Identifiers: MedGen C1861065, MONDO:0013412, OMIM 613765.
Myopathy, myofibrillar, 9, with early respiratory failure (MFM9). Also called: Hereditary myopathy with early respiratory failure; EDSTROM MYOPATHY; MYOPATHY, PROXIMAL, WITH EARLY RESPIRATORY MUSCLE INVOLVEMENT; Myopathy, distal, with early respiratory failure, autosomal dominant. Identifiers: Orphanet 178464, Orphanet 34521, MedGen C1863599, MONDO:0011362, OMIM 603689.

Allele frequency attached by ClinVar (database versions not stated): TOPMed 0.00020; 1000 Genomes Project 0.00040; 1000 Genomes Project 30x 0.00062.
gnomAD v4.1: 198 of 1,614,102 alleles (0.012%); highest among the groups gnomAD compares: Admixed American, 0.27%; no homozygotes.

Submissions (12):

Women's Health and Genetics/Laboratory Corporation of America, LabCorp
Classification: Benign. Last evaluated: 2026-05-07. Review status: criteria provided, single submitter. Criteria: LabCorp Variant Classification Summary - May 2015. Collection method: clinical testing. Allele origin: germline.

Labcorp Genetics (formerly Invitae), Labcorp
Classification: Benign for Dilated cardiomyopathy 1G; Autosomal recessive limb-girdle muscular dystrophy type 2J. Last evaluated: 2026-02-01. Review status: criteria provided, single submitter. Criteria: Invitae Variant Classification Sherloc (09022015). Collection method: clinical testing. Allele origin: germline.

Athena Diagnostics
Classification: Benign. Last evaluated: 2024-06-24. Review status: criteria provided, single submitter. Criteria: Athena Diagnostics Criteria. Collection method: clinical testing. Allele origin: unknown.

Blueprint Genetics
Classification: Likely benign. Last evaluated: 2022-04-05. Review status: criteria provided, single submitter. Criteria: ACMG Guidelines, 2015. Collection method: clinical testing. Allele origin: germline.

Genome-Nilou Lab
Classification: Benign for Autosomal recessive limb-girdle muscular dystrophy type 2J. Last evaluated: 2021-09-10. Review status: criteria provided, single submitter. Criteria: ACMG Guidelines, 2015. Collection method: clinical testing. Allele origin: germline. Affected: no.

Genome-Nilou Lab
Classification: Benign for Myopathy, myofibrillar, 9, with early respiratory failure. Last evaluated: 2021-09-10. Review status: criteria provided, single submitter. Criteria: ACMG Guidelines, 2015. Collection method: clinical testing. Allele origin: germline. Affected: no.

Genome-Nilou Lab
Classification: Benign for Early-onset myopathy with fatal cardiomyopathy. Last evaluated: 2021-09-10. Review status: criteria provided, single submitter. Criteria: ACMG Guidelines, 2015. Collection method: clinical testing. Allele origin: germline. Affected: no.

Genome-Nilou Lab
Classification: Benign for Tibial muscular dystrophy. Last evaluated: 2021-09-10. Review status: criteria provided, single submitter. Criteria: ACMG Guidelines, 2015. Collection method: clinical testing. Allele origin: germline. Affected: no.

Fulgent Genetics
Classification: Likely benign for Tibial muscular dystrophy; Myopathy, myofibrillar, 9, with early respiratory failure; Dilated cardiomyopathy 1G; Autosomal recessive limb-girdle muscular dystrophy type 2J; Early-onset myopathy with fatal cardiomyopathy; Hypertrophic cardiomyopathy 9. Last evaluated: 2021-08-16. Review status: criteria provided, single submitter. Criteria: ACMG Guidelines, 2015. Collection method: clinical testing. Allele origin: unknown.

Ambry Genetics
Classification: Likely benign for Cardiovascular phenotype. Last evaluated: 2019-09-09. Review status: criteria provided, single submitter. Criteria: Ambry Variant Classification Scheme 2023. Collection method: clinical testing. Allele origin: germline.

GeneDx
Classification: Benign. Last evaluated: 2017-08-02. Review status: criteria provided, single submitter. Criteria: GeneDx Variant Classification (06012015). Collection method: clinical testing. Allele origin: germline. Affected: yes.
Comment: This variant is considered likely benign or benign based on one or more of the following criteria: it is a conservative change, it occurs at a poorly conserved position in the protein, it is predicted to be benign by multiple in silico algorithms, and/or has population frequency not consistent with disease.

Eurofins Ntd Llc (ga)
Classification: Likely benign. Last evaluated: 2016-12-04. Review status: criteria provided, single submitter. Criteria: EGL Classification Definitions 2015. Collection method: clinical testing. Allele origin: germline. Observed: 2 variant alleles, 2 heterozygotes.